The following is an entry in ClinVar:

ClinVar aggregate classification (germline): Uncertain significance (1 of 4 stars; one submission).

Allele frequency attached by ClinVar (database versions not stated): gnomAD exomes 0.00001.
gnomAD v4.1: 21 of 1,614,118 alleles (0.0013%); highest among the groups gnomAD compares: Non-Finnish European, 0.0016%; no homozygotes.

Submission:

Labcorp Genetics (formerly Invitae), Labcorp
Classification: Uncertain significance. Last evaluated: 2023-11-27. Review status: criteria provided, single submitter. Criteria: Invitae Variant Classification Sherloc (09022015). Collection method: clinical testing. Allele origin: germline.
Comment: This sequence change replaces arginine, which is basic and polar, with cysteine, which is neutral and slightly polar, at codon 173 of the TRAPPC9 protein (p.Arg173Cys). This variant is present in population databases (no rsID available, gnomAD 0.0009%). This variant has not been reported in the literature in individuals affected with TRAPPC9-related conditions. ClinVar contains an entry for this variant (Variation ID: 1952995). An algorithm developed to predict the effect of missense changes on protein structure and function (PolyPhen-2) suggests that this variant is likely to be disruptive. In summary, the available evidence is currently insufficient to determine the role of this variant in disease. Therefore, it has been classified as a Variant of Uncertain Significance.

NM_001160372.4(TRAPPC9):c.223C>T (p.Arg75Cys)

Gene: TRAPPC9 (trafficking protein particle complex subunit 9; minus strand). Cytogenetic location: 8q24.3.
Variant type: single nucleotide variant.
Coding change: c.223C>T on transcript NM_001160372.4 (MANE Select); coding-DNA position 223, C replaced by T.
Protein change: p.Arg75Cys; replaces arginine 75 with cysteine.
Molecular consequence: missense variant. On other transcripts: non-coding transcript variant (1).
Genome position (GRCh38, 1-based): chr8:140,451,151, G>A on the plus strand (C>T on the coding strand, the complement: TRAPPC9 is on the minus strand). VCF-style: chr8-140451151-G-A. GRCh37 (hg19) VCF-style: chr8-141461250-G-A.
Other names: c.223C>T, p.Arg75Cys (NM_001321646.2, NM_001374684.1, NM_031466.8 and 2 more transcripts); short protein forms R75C.
Identifiers: ClinVar variation 1952995 (VCV001952995.3), dbSNP rs1445840938, ClinGen allele CA372318894.
Genomic context (GRCh38, chr8:140,451,151, plus strand): 5'-TCTGTGGCCAGTCCTTGGCCGAGAAGCAGTCTGTGATGGTGATGAGGCCCACGACTTTGC[G>A]GTGGGTCTGGAAGTCACCCCACTCGTTGTTCTCGGGTGGGTAGTGGTGCCTGTAGCGGAT-3'
Protein context (NP_001153844.1, residues 65-85): NNEWGDFQTH[Arg75Cys]KVVGLITITD